The following is an entry in ClinVar:

ClinVar aggregate classification (germline): Pathogenic. Review status: reviewed by expert panel (3 of 4 stars). 8 submissions from 8 submitters: Pathogenic (1). 7 of the submissions do not count toward it. Last evaluated 2018-04-01.

Conditions:
Hereditary cancer-predisposing syndrome. Also called: Neoplastic Syndromes, Hereditary; Hereditary Cancer Syndrome; Hereditary neoplastic syndrome; Tumor predisposition. Identifiers: Orphanet 140162, MedGen C0027672, MeSH D009386, MONDO:0015356.
Hereditary breast ovarian cancer syndrome. Also called: BRCA1- and BRCA2-Associated Hereditary Breast and Ovarian Cancer; Hereditary breast and ovarian cancer syndrome; Hereditary breast and ovarian cancer syndrome (HBOC); Breast and ovarian cancer; Hereditary breast and ovarian cancer; Hereditary breast and/or ovarian cancer syndrome. Identifiers: Orphanet 145, MedGen C0677776, MeSH D061325, MONDO:0003582. Disease mechanism: loss of function.
Breast-ovarian cancer, familial, susceptibility to, 2 (BROVCA2). Also called: BRCA2 Hereditary Breast and Ovarian Cancer. Identifiers: Orphanet 145, MedGen C2675520, MONDO:0012933, OMIM 612555. Disease mechanism: loss of function.
Familial cancer of breast. Also called: BREAST CANCER, FAMILIAL; hereditary breast carcinoma; Hereditary breast cancer. Identifiers: Orphanet 227535, MedGen C0346153, MONDO:0016419, OMIM 114480. Disease mechanism: loss of function.

Submissions (8):

Evidence-based Network for the Interpretation of Germline Mutant Alleles (ENIGMA)
Classification: Pathogenic for Breast-ovarian cancer, familial, susceptibility to, 2. Last evaluated: 2018-04-01. Review status: reviewed by expert panel. Criteria: ENIGMA BRCA1/2 Classification Criteria (2017-06-29). Collection method: curation. Allele origin: germline.
Comment: Class 5 Pathogenic based on posterior probability = 0.9999 (PMID: 29707112) from multifactorial likelihood analysis, thresholds for IARC Class as per Plon et al. 2008 (PMID: 18951446). Almost complete (95%) skipping of exon 3 (r.68_316del) in a minigene splicing assay. Molecular consequence is the same as other variants designated as pathogenic as determined by multifactorial likelihood analysis (PMID: 29707112).

German Consortium for Hereditary Breast and Ovarian Cancer, University Hospital Cologne
Classification: Pathogenic for Hereditary breast ovarian cancer syndrome. Last evaluated: 2026-07-14. Review status: criteria provided, single submitter. Criteria: ClinGen BRCA2 1.2.0. Collection method: curation. Allele origin: germline. Not counted in ClinVar's aggregate classification.
Comment: This classification follows the ClinGen ENIGMA BRCA2 v1.2.0 classification scheme; We chose these criteria: PVS1 (strong pathogenic): PVS1_str (RNA): Almost complete (95%) skipping of exon 3 (r.68_316del) in a minigene splicing assay in Caputo et al. Oncotarget 2018, Supp. Table 1 (PMID 29707112) + Exon 3 skipping in minigene in Houdayer et al. Hum Mutat 2012 (PMID 22505045), PM2 (supporting pathogenic): absent from gnomAD v2/3/4, PP4 (very strong pathogenic): combined LR 36332,99, multifactorial likelihood analysis in Caputo et al. 2018 (PMID 29707112)

Ambry Genetics
Classification: Pathogenic for Hereditary cancer-predisposing syndrome. Last evaluated: 2026-01-22. Review status: criteria provided, single submitter. Criteria: Ambry Variant Classification Scheme 2023. Collection method: clinical testing. Allele origin: germline. Not counted in ClinVar's aggregate classification.
Comment: The c.316+5G>C intronic pathogenic mutation results from a G to C substitution 5 nucleotides after coding exon 2 in the BRCA2 gene. This alteration has been reported in multiple families with hereditary breast and/or ovarian cancer and segregates strongly with disease (Caputo SM et al. Oncotarget 2018 Apr;9(25):17334-17348; Labidi-Galy SI et al. Clin. Cancer Res. 2018 Jan;24(2):326-333). In silico splice site analysis predicts that this alteration will weaken the native splice donor site. RNA studies have shown that this alteration causes complete skipping of coding exon 2 (also designated as exon 3 in published literature) (Ambry internal data; Bonnet C et al. J. Med. Genet. 2008 Jul;45(7):438-46; Houdayer C et al. Hum. Mutat. 2012 Aug;33(8):1228-38; Fraile-Bethencourt E et al. J. Pathol., 2019 Aug;248:409-420; Tubeuf, H et al. Cancer Res. 2020 Sep;80(17):3593-3605). Functional analyses determined this variant to be deleterious (Caputo SM et al. Oncotarget 2018 Apr;9(25):17334-17348; Tubeuf, H et al. Cancer Res. 2020 Sep;80(17):3593-3605). This nucleotide position is well conserved in available vertebrate species. This variant is considered to be rare based on population cohorts in the Genome Aggregation Database (gnomAD). Based on the majority of available evidence to-date, this alteration is interpreted as a disease-causing mutation.

Baylor Genetics
Classification: Pathogenic for Familial cancer of breast. Last evaluated: 2024-02-21. Review status: criteria provided, single submitter. Criteria: ACMG Guidelines, 2015. Collection method: clinical testing. Allele origin: unknown. Not counted in ClinVar's aggregate classification.

Labcorp Genetics (formerly Invitae), Labcorp
Classification: Pathogenic for Hereditary breast ovarian cancer syndrome. Last evaluated: 2022-10-20. Review status: criteria provided, single submitter. Criteria: Invitae Variant Classification Sherloc (09022015). Collection method: clinical testing. Allele origin: germline. Not counted in ClinVar's aggregate classification.
Comment: Variants that disrupt the consensus splice site are a relatively common cause of aberrant splicing (PMID: 17576681, 9536098). Studies have shown that this variant results in skipping of exon 3, but is expected to preserve the integrity of the reading-frame (PMID: 32398771). For these reasons, this variant has been classified as Pathogenic. ClinVar contains an entry for this variant (Variation ID: 51410). This variant has been observed in individual(s) with breast cancer and/or ovarian cancer (PMID: 21939546). It has also been observed to segregate with disease in related individuals. This variant is not present in population databases (gnomAD no frequency). This sequence change falls in intron 3 of the BRCA2 gene. It does not directly change the encoded amino acid sequence of the BRCA2 protein. RNA analysis indicates that this variant induces altered splicing and likely results in a shortened protein product.

Quest Diagnostics Nichols Institute San Juan Capistrano
Classification: Pathogenic. Last evaluated: 2021-01-16. Review status: criteria provided, single submitter. Criteria: Quest Diagnostics criteria. Collection method: clinical testing. Allele origin: unknown. Not counted in ClinVar's aggregate classification.
Comment: This variant has been reported in individuals with breast/ovarian cancer in the published literature (PMID: 29084914 (2018), 29707112 (2018), 21939546 (2011), 21120943 (2011)). In vitro splicing studies report that the variant causes exon 3 skipping (PMID: 30883759 (2019), 29707112 (2018), 22505045 (2012), 18424508 (2008)), and it significantly segregated with disease in multiple families (PMID: 29707112 (2018)). Based on the available information, the variant is classified as pathogenic.

Women's Health and Genetics/Laboratory Corporation of America, LabCorp
Classification: Pathogenic for Hereditary breast ovarian cancer syndrome. Last evaluated: 2016-03-21. Review status: criteria provided, single submitter. Criteria: LabCorp Variant Classification Summary - May 2015. Collection method: clinical testing. Allele origin: germline. Not counted in ClinVar's aggregate classification.

ClinVar Staff, National Center for Biotechnology Information (NCBI)
No classification provided. Condition: Familial cancer of breast. Review status: no classification provided. Collection method: literature only. Allele origin: germline. Affected: yes. Not counted in ClinVar's aggregate classification.

Literature cited by the submitters: PubMed 29707112 (cited by Evidence-based Network for the Interpretation of Germline Mutant Alleles (ENIGMA) and Quest Diagnostics Nichols Institute San Juan Capistrano); PubMed 30883759 (cited by Ambry Genetics and Quest Diagnostics Nichols Institute San Juan Capistrano); PubMed 32641407 (cited by Ambry Genetics); PubMed 17576681 (cited by Labcorp Genetics (formerly Invitae), Labcorp); PubMed 9536098 (cited by Labcorp Genetics (formerly Invitae), Labcorp); PubMed 32398771 (cited by Labcorp Genetics (formerly Invitae), Labcorp and Quest Diagnostics Nichols Institute San Juan Capistrano); PubMed 21939546 (cited by 3 submitters); PubMed 18424508 (cited by 3 submitters); PubMed 22505045 (cited by Quest Diagnostics Nichols Institute San Juan Capistrano and Women's Health and Genetics/Laboratory Corporation of America, LabCorp); PubMed 26913838 (cited by Quest Diagnostics Nichols Institute San Juan Capistrano); PubMed 29084914 (cited by Quest Diagnostics Nichols Institute San Juan Capistrano); PubMed 21120943 (cited by Quest Diagnostics Nichols Institute San Juan Capistrano and Women's Health and Genetics/Laboratory Corporation of America, LabCorp); PubMed 21769658 (cited by Women's Health and Genetics/Laboratory Corporation of America, LabCorp); PubMed 24549055 (cited by Women's Health and Genetics/Laboratory Corporation of America, LabCorp).

NM_000059.4(BRCA2):c.316+5G>C

Gene: BRCA2 (BRCA2 DNA repair associated; plus strand). Cytogenetic location: 13q13.1.
Variant type: single nucleotide variant.
Coding change: c.316+5G>C on transcript NM_000059.4 (MANE Select); 5 bases into the intron after coding-DNA position 316, G replaced by C.
Molecular consequence: intron variant.
Genome position (GRCh38, 1-based): chr13:32,319,330, G>C. VCF-style: chr13-32319330-G-C. GRCh37 (hg19) VCF-style: chr13-32893467-G-C.
Identifiers: ClinVar variation 51410 (VCV000051410.23), dbSNP rs81002840, ClinGen allele CA017387.
Genomic context (GRCh38, chr13:32,319,330, plus strand): 5'-TCTGCCGCTGTACCAATCTCCTGTAAAAGAATTAGATAAATTCAAATTAGACTTAGGTAA[G>C]TAATGCAATATGGTAGACTGGGGAGAACTACAAACTAGGAATTTAGGCAAACCTGTGTTA-3'